The following is an entry in ClinVar:

NM_002485.5(NBN):c.1866G>C (p.Lys622Asn)

Genes: NBN (nibrin; minus strand), LOC126860438 (MED14-independent group 3 enhancer GRCh37_chr8:90959982-90961181; plus strand). Cytogenetic location: 8q21.3.
Variant type: single nucleotide variant.
Coding change: c.1866G>C on transcript NM_002485.5 (MANE Select); coding-DNA position 1866, G replaced by C.
Protein change: p.Lys622Asn; replaces lysine 622 with asparagine.
Molecular consequence: missense variant.
Genome position (GRCh38, 1-based): chr8:89,947,872, C>G on the plus strand (G>C on the coding strand, the complement: NBN is on the minus strand). VCF-style: chr8-89947872-C-G. GRCh37 (hg19) VCF-style: chr8-90960100-C-G.
Other names: c.1620G>C, p.Lys540Asn (NM_001024688.3); short protein forms K622N, K540N.
Identifiers: ClinVar variation 142085 (VCV000142085.21), dbSNP rs587782221, ClinGen allele CA167364.

ClinVar aggregate classification (germline): Uncertain significance. Review status: criteria provided, multiple submitters, no conflicts (2 of 4 stars). 4 submissions from 4 submitters: Uncertain significance (4). Last evaluated 2025-11-10.

Conditions:
Hereditary cancer-predisposing syndrome. Also called: Neoplastic Syndromes, Hereditary; Hereditary Cancer Syndrome; Hereditary neoplastic syndrome; Tumor predisposition. Identifiers: Orphanet 140162, MedGen C0027672, MeSH D009386, MONDO:0015356.
Microcephaly, normal intelligence and immunodeficiency (NBS). Also called: Immunodeficiency, microcephaly with normal intelligence; SEEMANOVA SYNDROME II; Nijmegen breakage syndrome; Microcephaly with normal intelligence immunodeficiency and lymphoreticular malignancies; Nonsyndromal microcephaly autosomal recessive with normal intelligence; Seemanova syndrome 2. Identifiers: Orphanet 647, MedGen C0398791, MONDO:0009623, OMIM 251260.

Allele frequency attached by ClinVar (database versions not stated): TOPMed below 0.00001; gnomAD 0.00001.
gnomAD v4.1: 1 of 1,574,806 alleles (0.000063%); highest among the groups gnomAD compares: Non-Finnish European, 0.000087%; no homozygotes.

Submissions (4):

Labcorp Genetics (formerly Invitae), Labcorp
Classification: Uncertain significance for Microcephaly, normal intelligence and immunodeficiency. Last evaluated: 2025-11-10. Review status: criteria provided, single submitter. Criteria: Invitae Variant Classification Sherloc (09022015). Collection method: clinical testing. Allele origin: germline.
Comment: This sequence change replaces lysine, which is basic and polar, with asparagine, which is neutral and polar, at codon 622 of the NBN protein (p.Lys622Asn). This variant is present in population databases (rs587782221, gnomAD 0.007%). This variant has not been reported in the literature in individuals affected with NBN-related conditions. ClinVar contains an entry for this variant (Variation ID: 142085). An algorithm developed to predict the effect of missense changes on protein structure and function (PolyPhen-2) suggests that this variant is likely to be tolerated. Algorithms developed to predict the effect of sequence changes on RNA splicing suggest that this variant may disrupt the consensus splice site. In summary, the available evidence is currently insufficient to determine the role of this variant in disease. Therefore, it has been classified as a Variant of Uncertain Significance.

Ambry Genetics
Classification: Uncertain significance for Hereditary cancer-predisposing syndrome. Last evaluated: 2025-09-07. Review status: criteria provided, single submitter. Criteria: Ambry Variant Classification Scheme 2023. Collection method: clinical testing. Allele origin: germline.
Comment: The p.K622N variant (also known as c.1866G>C), located in coding exon 12 of the NBN gene, results from a G to C substitution at nucleotide position 1866. The lysine at codon 622 is replaced by asparagine, an amino acid with similar properties. This amino acid position is well conserved in available vertebrate species. In addition, this alteration is predicted to be tolerated by in silico analysis. Since supporting evidence is limited at this time, the clinical significance of this alteration remains unclear.

Genome-Nilou Lab
Classification: Uncertain significance for Microcephaly, normal intelligence and immunodeficiency. Last evaluated: 2021-11-07. Review status: criteria provided, single submitter. Criteria: ACMG Guidelines, 2015. Collection method: clinical testing. Allele origin: germline. Affected: no.

Color Diagnostics, LLC DBA Color Health
Classification: Uncertain significance for Hereditary cancer-predisposing syndrome. Last evaluated: 2019-11-13. Review status: criteria provided, single submitter. Criteria: ACMG Guidelines, 2015. Collection method: clinical testing. Allele origin: germline.
Comment: This missense variant replaces lysine with asparagine at codon 622 of the NBN protein. Computational prediction tool suggests that this variant may not impact protein structure and function (internally defined REVEL score threshold ≤0.5, PMID: 27666373). Splice site prediction tools suggest that this variant may not impact RNA splicing. To our knowledge, functional studies have not been performed for this variant. This variant has not been reported in individuals affected with hereditary cancer in the literature. This variant has been identified in 1/31306 chromosomes in the general population by the Genome Aggregation Database (gnomAD). The available evidence is insufficient to determine the role of this variant in disease conclusively. Therefore, this variant is classified as a Variant of Uncertain Significance.